The following is an entry in ClinVar:

NM_000548.5(TSC2):c.1674G>T (p.Glu558Asp)

Gene: TSC2 (TSC complex subunit 2; plus strand). Cytogenetic location: 16p13.3.
Variant type: single nucleotide variant.
Coding change: c.1674G>T on transcript NM_000548.5 (MANE Select); coding-DNA position 1674, G replaced by T.
Protein change: p.Glu558Asp; replaces glutamic acid 558 with aspartic acid.
Molecular consequence: missense variant. On other transcripts: non-coding transcript variant (5).
Genome position (GRCh38, 1-based): chr16:2,065,593, G>T. VCF-style: chr16-2065593-G-T. GRCh37 (hg19) VCF-style: chr16-2115594-G-T.
Other names: c.1662G>T, p.Glu554Asp (NM_001406671.1, NM_001406673.1); c.1527G>T, p.Glu509Asp (NM_001406675.1, NM_001406676.1, NM_001406679.1 and 1 more transcripts); c.1074G>T, p.Glu358Asp (NM_001406680.1, NM_001318831.2, NM_001406682.1 and 6 more transcripts); c.1212G>T, p.Glu404Asp (NM_001406681.1); c.330G>T, p.Glu110Asp (NM_001406692.1, NM_001406693.1, NM_001406694.1 and 6 more transcripts); c.1617G>T, p.Glu539Asp (NM_001406677.1); c.1563G>T, p.Glu521Asp (NM_001406678.1, NM_001318827.2, NM_001406670.1); c.72G>T, p.Glu24Asp (NM_001406698.1); and 3 more; short protein forms E509D, E521D, E588D, E24D, E358D, E558D, E110D, E554D.
Identifiers: ClinVar variation 3974613 (VCV003974613.1).

ClinVar aggregate classification (germline): Uncertain significance (1 of 4 stars; one submission).

Conditions:
Hereditary cancer-predisposing syndrome. Also called: Tumor predisposition; Hereditary neoplastic syndrome; Hereditary Cancer Syndrome; Neoplastic Syndromes, Hereditary. Identifiers: Orphanet 140162, MedGen C0027672, MeSH D009386, MONDO:0015356.

Submission:

Ambry Genetics
Classification: Uncertain significance for Hereditary cancer-predisposing syndrome. Last evaluated: 2025-06-10. Review status: criteria provided, single submitter. Criteria: Ambry Variant Classification Scheme 2023. Collection method: clinical testing. Allele origin: germline.
Comment: The p.E558D variant (also known as c.1674G>T), located in coding exon 15 of the TSC2 gene, results from a G to T substitution at nucleotide position 1674. The glutamic acid at codon 558 is replaced by aspartic acid, an amino acid with highly similar properties. This amino acid position is conserved. In addition, this alteration is predicted to be deleterious by in silico analysis. Based on the available evidence, the clinical significance of this variant remains unclear.